The following is an entry in ClinVar:

NM_000330.4(RS1):c.184+3190C>A

Genes: CDKL5 (cyclin dependent kinase like 5; plus strand), RS1 (retinoschisin 1; minus strand). Cytogenetic location: Xp22.13.
Variant type: single nucleotide variant.
Coding change: c.184+3190C>A on transcript NM_000330.4 (MANE Select); 3190 bases into the intron after coding-DNA position 184, C replaced by A.
Molecular consequence: intron variant. On other transcripts: missense variant (2).
Genome position (GRCh38, 1-based): chrX:18,653,463, G>T on the plus strand (C>A on the coding strand, the complement: RS1 is on the minus strand). VCF-style: chrX-18653463-G-T. GRCh37 (hg19) VCF-style: chrX-18671583-G-T.
Other names: p.R1004S:AGG>AGT; c.3012G>T, p.Arg1004Ser (NM_001037343.2, NM_003159.3); short protein forms R1004S.
Identifiers: ClinVar variation 143815 (VCV000143815.16), dbSNP rs267608667, ClinGen allele CA199277.
Genomic context (GRCh38, chrX:18,653,463, plus strand): 5'-TGACCCCGCTGTCCTTCTGTGCTTTCCAGGGTTCTCTTTCTTCGTGAGACACGTTATGAG[G>T]GAAGCCCTGATTCACAGGGCCCAGGTAAACCAAGCTGCGCTCCTGACATACCATGAGAAT-3'

ClinVar aggregate classification (germline): Likely benign. Review status: criteria provided, multiple submitters, no conflicts (2 of 4 stars). 4 submissions from 4 submitters: Likely benign (3). 1 of the submissions does not count toward it. Last evaluated 2024-09-20.

Conditions:
CDKL5 disorder. Identifiers: MedGen CN296942, MONDO:0100039.
Angelman syndrome-like. Identifiers: MedGen CN128785.
Developmental and epileptic encephalopathy, 2 (DEE2). Also called: CDKL5 deficiency disorder; INFANTILE SPASM SYNDROME, X-LINKED 2. Identifiers: Orphanet 1934, Orphanet 3451, Orphanet 505652, MedGen C4750718, MONDO:0010396, OMIM 300672.

Allele frequency attached by ClinVar (database versions not stated): gnomAD exomes 0.00001 and 0.00002; ExAC 0.00004.
gnomAD v4.1: 7 of 1,211,409 alleles (0.00058%); highest among the groups gnomAD compares: South Asian, 0.012%; no homozygotes.

Submissions (4):

Centre for Population Genomics, CPG
Classification: Likely benign for CDKL5 disorder. Last evaluated: 2024-09-20. Review status: criteria provided, single submitter. Criteria: McKnight et al. (Hum Mutat. 2022). Collection method: curation. Allele origin: germline. Inheritance: X-linked inheritance.
Comment: This variant has been collected from RettBASE and curated to current modified ACMG/AMP criteria. Based on the classification scheme defined by the ClinGen Rett/Angelman-like Expert Panel for Rett/AS-like Disorders Specifications to the ACMG/AMP Variant Interpretation Guidelines VCEP 3.0, this variant is classified as likely benign. At least the following criteria are met: The allele frequency of this variant in at least one population in gnomAD is between 0.008% and 0.03% (BS1). Synonymous or intronic variant outside donor and acceptor splice regions for NM_001323289.2 where splicing prediction algorithms do not support significant splicing alteration (spliceAI score <=0.1) (BP4, BP7).

Labcorp Genetics (formerly Invitae), Labcorp
Classification: Likely benign for Developmental and epileptic encephalopathy, 2; Angelman syndrome-like. Last evaluated: 2024-04-22. Review status: criteria provided, single submitter. Criteria: Invitae Variant Classification Sherloc (09022015). Collection method: clinical testing. Allele origin: germline.

GeneDx
Classification: Likely benign. Last evaluated: 2019-05-31. Review status: criteria provided, single submitter. Criteria: GeneDx Variant Classification Process June 2021. Collection method: clinical testing. Allele origin: germline. Affected: yes.
Comment: This variant is associated with the following publications: (PMID: 20479760)

RettBASE
Classification: Likely benign. Last evaluated: 2014-05-09. Review status: no assertion criteria provided. Collection method: curation. Allele origin: unknown. Observed: 2 variant alleles. Not counted in ClinVar's aggregate classification.
Comment: In exon 21, affecting only the transcript lowly expressed; In silico prediction: SIFT = tolerated, MutationTaster = polymorphism, PolyPhen2 = benign, AlignGVGD = benign (C0)

Literature cited by the submitters: PubMed 20479760 (cited by RettBASE).